The following is an entry in ClinVar:

NM_001845.6(COL4A1):c.4755+1G>T

Gene: COL4A1 (collagen type IV alpha 1 chain; minus strand). Cytogenetic location: 13q34.
Variant type: single nucleotide variant.
Coding change: c.4755+1G>T on transcript NM_001845.6 (MANE Select); the canonical splice donor site of the intron after coding-DNA position 4755, G replaced by T.
Molecular consequence: splice donor variant.
Genome position (GRCh38, 1-based): chr13:110,155,282, C>A on the plus strand (G>T on the coding strand, the complement: COL4A1 is on the minus strand). VCF-style: chr13-110155282-C-A. GRCh37 (hg19) VCF-style: chr13-110807629-C-A.
Identifiers: ClinVar variation 1066219 (VCV001066219.7), dbSNP rs1332002484, ClinGen allele CA388655471.

ClinVar aggregate classification (germline): Likely pathogenic (1 of 4 stars; one submission).

Submission:

Labcorp Genetics (formerly Invitae), Labcorp
Classification: Likely pathogenic. Last evaluated: 2017-10-26. Review status: criteria provided, single submitter. Criteria: Invitae Variant Classification Sherloc (09022015). Collection method: clinical testing. Allele origin: germline.
Comment: In summary, the currently available evidence indicates that the variant is pathogenic, but additional data are needed to prove that conclusively. Therefore, this variant has been classified as Likely Pathogenic. Donor and acceptor splice site variants typically lead to a loss of protein function (PMID: 16199547), and loss-of-function variants in COL4A1 are known to be pathogenic (PMID: 23225343). This variant has not been reported in the literature in individuals with COL4A1-related disease. This variant is not present in population databases (ExAC no frequency). This sequence change affects a donor splice site in intron 50 of the COL4A1 gene. It is expected to disrupt RNA splicing and likely results in an absent or disrupted protein product.

Literature cited by the submitters: PubMed 16199547; PubMed 23225343.